The following is an entry in ClinVar:

NM_032043.3(BRIP1):c.2102T>G (p.Leu701Ter)

Gene: BRIP1 (BRCA1 interacting DNA helicase 1; minus strand). Cytogenetic location: 17q23.2.
Variant type: single nucleotide variant.
Coding change: c.2102T>G on transcript NM_032043.3 (MANE Select); coding-DNA position 2102, T replaced by G.
Protein change: p.Leu701Ter; replaces leucine 701 with a stop codon.
Molecular consequence: nonsense.
Genome position (GRCh38, 1-based): chr17:61,744,587, A>C on the plus strand (T>G on the coding strand, the complement: BRIP1 is on the minus strand). VCF-style: chr17-61744587-A-C. GRCh37 (hg19) VCF-style: chr17-59821948-A-C.
Other names: short protein forms L701*.
Identifiers: ClinVar variation 379902 (VCV000379902.5), dbSNP rs876658270, ClinGen allele CA16607410.

ClinVar aggregate classification (germline): Pathogenic. Review status: criteria provided, multiple submitters, no conflicts (2 of 4 stars). 3 submissions from 3 submitters: Pathogenic (3). Last evaluated 2023-06-06.

Conditions:
Hereditary cancer-predisposing syndrome. Also called: Tumor predisposition; Hereditary neoplastic syndrome; Neoplastic Syndromes, Hereditary; Hereditary Cancer Syndrome. Identifiers: Orphanet 140162, MedGen C0027672, MeSH D009386, MONDO:0015356.
Familial cancer of breast. Also called: hereditary breast carcinoma; Hereditary breast cancer; BREAST CANCER, FAMILIAL. Identifiers: Orphanet 227535, MedGen C0346153, MONDO:0016419, OMIM 114480. Disease mechanism: loss of function.

Submissions (3):

Myriad Genetics, Inc.
Classification: Pathogenic for Familial cancer of breast. Last evaluated: 2023-06-06. Review status: criteria provided, single submitter. Criteria: Myriad Autosomal Dominant, Autosomal Recessive and X-Linked Classification Criteria (2023). Collection method: clinical testing. Allele origin: unknown.
Comment: This variant is considered pathogenic. This variant creates a termination codon and is predicted to result in premature protein truncation.

Ambry Genetics
Classification: Pathogenic for Hereditary cancer-predisposing syndrome. Last evaluated: 2023-02-28. Review status: criteria provided, single submitter. Criteria: Ambry Variant Classification Scheme 2023. Collection method: clinical testing. Allele origin: germline.
Comment: The p.L701* variant (also known as c.2102T>G), located in coding exon 14 of the BRIP1 gene, results from a T to G substitution at nucleotide position 2102. This changes the amino acid from a leucine to a stop codon within coding exon 14. This variant is considered to be rare based on population cohorts in the Genome Aggregation Database (gnomAD). This alteration is expected to result in loss of function by premature protein truncation or nonsense-mediated mRNA decay. As such, this alteration is interpreted as a disease-causing mutation.

GeneDx
Classification: Pathogenic. Last evaluated: 2015-06-01. Review status: criteria provided, single submitter. Criteria: GeneDx Variant Classification (06012015). Collection method: clinical testing. Allele origin: germline. Affected: yes.
Comment: This pathogenic variant is denoted BRIP1 c.2102T>G at the cDNA level and p.Leu701Ter (L701X) at the protein level. The substitution creates a nonsense variant, which changes a Leucine to a premature stop codon (TTA>TGA), and is predicted to cause loss of normal protein function through either protein truncation or nonsense-mediated mRNA decay. Although this variant has not, to our knowledge, been reported in the literature, it is considered pathogenic. BRIP1 has been only recently described in association with cancer predisposition and the risks are not well understood. The presence of a BRIP1 mutation may confer an increased risk for female breast cancer and ovarian cancer based on currently available data (Seal 2006, Rafnar 2011, Pennington 2014). In one case-control study, truncating BRIP1 mutations were identified in 9 out of 1,212 individuals previously diagnosed with breast cancer, from BRCA-negative families, and in 2 out of 2,081 controls, suggesting an increased risk for breast cancer (OR = 2.0) (Seal 2006). Of note, BRIP1 missense variants found in this study were not associated with cancer risk. A specific frameshift variant found in an Icelandic cohort was associated with an increased risk for both ovarian and pancreatic cancer, while another frameshift variant, found in a Spanish cohort, conferred an increased risk for both breast and ovarian cancer in a study looking at sequence variants and their association with these cancer types (Rafnar 2011). Pennington et al. (2014) also identified a germline BRIP1 mutation in 4 out of 367 patients, unselected for family history, who had a personal history of ovarian cancer, peritoneal cancer or fallopian tube cancer. Of note, it has been hypothesized that BRIP1 may be a low penetrance allele as families with multiple cases of breast cancer, found to harbor a BRIP1 mutation, have shown incomplete segregation with disease (Seal 2006). Fanconi Anemia (FA) is a rare autosomal recessive condition that can be caused by two mutations (one in each copy of the gene) in the BRIP1 gene (Seal 2006). This condition is characterized by physical abnormalities, bone marrow failure, and increased risk for malignancy in children including leukemia and certain solid tumors. The Fanconi Anemia phenotype due to BRIP1 mutations is thought to result in a lower rate of childhood solid tumors compared to the phenotype due to two BRCA2 variants (Apostolou 2013). If a BRIP1 mutation carrier'spartner also carries a BRIP1mutation, the risk to have a child with FA is 25% with each pregnancy.